The following is an entry in ClinVar:

ClinVar aggregate classification (germline): Pathogenic (1 of 4 stars; one submission).

Conditions:
Hereditary factor XI deficiency disease. Also called: PLASMA THROMBOPLASTIN ANTECEDENT DEFICIENCY; PTA DEFICIENCY; ROSENTHAL SYNDROME; Congenital factor XI deficiency. Identifiers: Orphanet 329, MedGen C0015523, MeSH D005173, MONDO:0012897, OMIM 612416.

Submission:

Women's Health and Genetics/Laboratory Corporation of America, LabCorp
Classification: Pathogenic for Hereditary factor XI deficiency disease. Last evaluated: 2025-06-23. Review status: criteria provided, single submitter. Criteria: LabCorp Variant Classification Summary - May 2015. Collection method: clinical testing. Allele origin: germline.
Comment: Variant summary: F11 c.1562A>G (p.Tyr521Cys) results in a non-conservative amino acid change in the encoded protein sequence. Algorithms developed to predict the effect of missense changes on protein structure and function all suggest that this variant is likely to be disruptive. The variant was absent in 251420 control chromosomes (gnomAD). c.1562A>G has been observed in multiple individuals affected with Hereditary factor XI deficiency disease (Su_2018, Deng_2022, Chen_2024). These data indicate that the variant is very likely to be associated with disease. At least one publication reports experimental evidence evaluating an impact on protein function (Chen_2024). The most pronounced variant effect results in 10%-<30% of normal activity. The following publications have been ascertained in the context of this evaluation (PMID: 29538003, 35773761, 39526668). No submitters have cited clinical-significance assessments for this variant to ClinVar. Based on the evidence outlined above, the variant was classified as pathogenic.

Literature cited by the submitters: PubMed 39526668; PubMed 35773761; PubMed 29538003.

NM_000128.4(F11):c.1562A>G (p.Tyr521Cys)

Genes: F11 (coagulation factor XI; plus strand), F11-AS1 (F11 antisense RNA 1; minus strand). Cytogenetic location: 4q35.2.
Variant type: single nucleotide variant.
Coding change: c.1562A>G on transcript NM_000128.4 (MANE Select); coding-DNA position 1562, A replaced by G.
Protein change: p.Tyr521Cys; replaces tyrosine 521 with cysteine.
Molecular consequence: missense variant.
Genome position (GRCh38, 1-based): chr4:186,286,496, A>G. VCF-style: chr4-186286496-A-G. GRCh37 (hg19) VCF-style: chr4-187207650-A-G.
Other names: short protein forms Y521C.
Identifiers: ClinVar variation 3907564 (VCV003907564.1).